The following is an entry in ClinVar:

NM_001851.6(COL9A1):c.2158C>T (p.Arg720Trp)

Gene: COL9A1 (collagen type IX alpha 1 chain; minus strand). Cytogenetic location: 6q13.
Variant type: single nucleotide variant.
Coding change: c.2158C>T on transcript NM_001851.6 (MANE Select); coding-DNA position 2158, C replaced by T.
Protein change: p.Arg720Trp; replaces arginine 720 with tryptophan.
Molecular consequence: missense variant. On other transcripts: non-coding transcript variant (1), intron variant (1).
Genome position (GRCh38, 1-based): chr6:70,234,895, G>A on the plus strand (C>T on the coding strand, the complement: COL9A1 is on the minus strand). VCF-style: chr6-70234895-G-A. GRCh37 (hg19) VCF-style: chr6-70944598-G-A.
Other names: c.1459C>T, p.Arg487Trp (NM_001377289.1); c.1429C>T, p.Arg477Trp (NM_078485.4); c.1384-302C>T (NM_001377290.1); short protein forms R477W, R487W, R720W.
Identifiers: ClinVar variation 1464634 (VCV001464634.7), dbSNP rs750991236, ClinGen allele CA3881839.

ClinVar aggregate classification (germline): Uncertain significance. Review status: criteria provided, multiple submitters, no conflicts (2 of 4 stars). 2 submissions from 2 submitters: Uncertain significance (2). Last evaluated 2022-10-19.

Conditions:
Stickler syndrome, type 4 (STL4). Identifiers: Orphanet 250984, Orphanet 828, MedGen C3279941, MONDO:0013590, OMIM 614134.

Allele frequency attached by ClinVar (database versions not stated): ExAC 0.00001; gnomAD 0.00001; gnomAD exomes 0.00002 and 0.00003; TOPMed 0.00002.
gnomAD v4.1: 48 of 1,613,996 alleles (0.003%); highest among the groups gnomAD compares: Non-Finnish European, 0.0036%; no homozygotes.

Submissions (2):

GeneDx
Classification: Uncertain significance. Last evaluated: 2022-10-19. Review status: criteria provided, single submitter. Criteria: GeneDx Variant Classification Process June 2021. Collection method: clinical testing. Allele origin: germline. Affected: yes.
Comment: Has not been previously published as pathogenic or benign to our knowledge; In silico analysis supports that this missense variant has a deleterious effect on protein structure/function; Not observed at significant frequency in large population cohorts (gnomAD)

Labcorp Genetics (formerly Invitae), Labcorp
Classification: Uncertain significance. Last evaluated: 2022-01-21. Review status: criteria provided, single submitter. Criteria: Invitae Variant Classification Sherloc (09022015). Collection method: clinical testing. Allele origin: germline.
Comment: This sequence change replaces arginine, which is basic and polar, with tryptophan, which is neutral and slightly polar, at codon 720 of the COL9A1 protein (p.Arg720Trp). This variant is present in population databases (rs750991236, gnomAD 0.006%). This variant has not been reported in the literature in individuals affected with COL9A1-related conditions. Advanced modeling of protein sequence and biophysical properties (such as structural, functional, and spatial information, amino acid conservation, physicochemical variation, residue mobility, and thermodynamic stability) performed at Invitae indicates that this missense variant is not expected to disrupt COL9A1 protein function. In summary, the available evidence is currently insufficient to determine the role of this variant in disease. Therefore, it has been classified as a Variant of Uncertain Significance.